The following is an entry in ClinVar:

ClinVar aggregate classification (germline): other (0 of 4 stars; one submission).

Conditions:
Familial colorectal cancer. Identifiers: MedGen CN280943, MONDO:0023113. Disease mechanism: loss of function.

Submission:

Systems Biology Platform Zhejiang California International NanoSystems Institute
Classification: other for Familial colorectal cancer. Review status: no assertion criteria provided. Collection method: not provided. Allele origin: unknown.
ClinVar note: Converted during submission from cancer to other.

NM_000038.6(APC):c.*805C>A

Gene: APC (APC regulator of WNT signaling pathway; plus strand). Cytogenetic location: 5q22.2.
Variant type: single nucleotide variant.
Coding change: c.*805C>A on transcript NM_000038.6 (MANE Select); 805 bases downstream of the stop codon, C replaced by A.
Molecular consequence: 3 prime UTR variant.
Genome position (GRCh38, 1-based): chr5:112,844,931, C>A. VCF-style: chr5-112844931-C-A. GRCh37 (hg19) VCF-style: chr5-112180628-C-A.
Other names: c.*805C>A (NM_001127510.3, NM_001127511.3, NM_001354895.2 and 11 more transcripts).
Identifiers: ClinVar variation 83259 (VCV000083259.2), dbSNP rs75717494, ClinGen allele CA014288.